The following is an entry in ClinVar:

NM_005219.5(DIAPH1):c.1853C>T (p.Pro618Leu)

Gene: DIAPH1 (diaphanous related formin 1; minus strand). Cytogenetic location: 5q31.3.
Variant type: single nucleotide variant.
Coding change: c.1853C>T on transcript NM_005219.5 (MANE Select); coding-DNA position 1853, C replaced by T.
Protein change: p.Pro618Leu; replaces proline 618 with leucine.
Molecular consequence: missense variant.
Genome position (GRCh38, 1-based): chr5:141,573,997, G>A on the plus strand (C>T on the coding strand, the complement: DIAPH1 is on the minus strand). VCF-style: chr5-141573997-G-A. GRCh37 (hg19) VCF-style: chr5-140953564-G-A.
Other names: c.1826C>T, p.Pro609Leu (NM_001079812.3); c.1853C>T, p.Pro618Leu (NM_001314007.2); c.1853C>T (NM_005219.4); short protein forms P618L, P609L.
Identifiers: ClinVar variation 1433428 (VCV001433428.9), dbSNP rs1383273883, ClinGen allele CA361520618.

ClinVar aggregate classification (germline): Uncertain significance. Review status: criteria provided, multiple submitters, no conflicts (2 of 4 stars). 2 submissions from 2 submitters: Uncertain significance (2). Last evaluated 2025-01-23.

Conditions:
Inborn genetic diseases. Identifiers: MedGen C0950123, MeSH D030342.
Autosomal dominant nonsyndromic hearing loss 1. Also called: DEAFNESS, AUTOSOMAL DOMINANT 1, WITH OR WITHOUT THROMBOCYTOPENIA; KONIGSMARK SYNDROME. Identifiers: Orphanet 90635, MedGen C1852282, MONDO:0007424, OMIM 124900.
Progressive microcephaly-seizures-cortical blindness-developmental delay syndrome. Also called: Seizures, cortical blindness, and microcephaly syndrome. Identifiers: Orphanet 477814, MedGen C5567650, MONDO:0014714, OMIM 616632.

Allele frequency attached by ClinVar (database versions not stated): gnomAD 0.00002 and 0.00003; TOPMed 0.00003.

Submissions (2):

Labcorp Genetics (formerly Invitae), Labcorp
Classification: Uncertain significance for Progressive microcephaly-seizures-cortical blindness-developmental delay syndrome; Autosomal dominant nonsyndromic hearing loss 1. Last evaluated: 2025-01-23. Review status: criteria provided, single submitter. Criteria: Invitae Variant Classification Sherloc (09022015). Collection method: clinical testing. Allele origin: germline.
Comment: This sequence change replaces proline, which is neutral and non-polar, with leucine, which is neutral and non-polar, at codon 618 of the DIAPH1 protein (p.Pro618Leu). The frequency data for this variant in the population databases is considered unreliable, as metrics indicate poor data quality at this position in the gnomAD database. This variant has not been reported in the literature in individuals affected with DIAPH1-related conditions. ClinVar contains an entry for this variant (Variation ID: 1433428). Experimental studies and prediction algorithms are not available or were not evaluated, and the functional significance of this variant is currently unknown. In summary, the available evidence is currently insufficient to determine the role of this variant in disease. Therefore, it has been classified as a Variant of Uncertain Significance.

Ambry Genetics
Classification: Uncertain significance for Inborn genetic diseases. Last evaluated: 2024-05-30. Review status: criteria provided, single submitter. Criteria: Ambry Variant Classification Scheme 2023. Collection method: clinical testing. Allele origin: germline.